The following is an entry in ClinVar:

NM_000350.3(ABCA4):c.2562T>C (p.Ala854=)

Gene: ABCA4 (ATP binding cassette subfamily A member 4; minus strand). Cytogenetic location: 1p22.1.
Variant type: single nucleotide variant.
Coding change: c.2562T>C on transcript NM_000350.3 (MANE Select); coding-DNA position 2562, T replaced by C.
Protein change: p.Ala854=; no amino-acid change (alanine 854 retained).
Molecular consequence: synonymous variant.
Genome position (GRCh38, 1-based): chr1:94,055,136, A>G on the plus strand (T>C on the coding strand, the complement: ABCA4 is on the minus strand). VCF-style: chr1-94055136-A-G. GRCh37 (hg19) VCF-style: chr1-94520692-A-G.
Other names: c.2340T>C, p.Ala780= (NM_001425324.1).
Identifiers: ClinVar variation 2831742 (VCV002831742.10), dbSNP rs2523816204, ClinGen allele CA418815264.

ClinVar aggregate classification (germline): Likely benign. Review status: criteria provided, multiple submitters, no conflicts (2 of 4 stars). 2 submissions from 2 submitters: Likely benign (2). Last evaluated 2025-03-01.

Allele frequency attached by ClinVar (database versions not stated): gnomAD exomes below 0.00001.
gnomAD v4.1: 2 of 1,614,190 alleles (0.00012%); highest among the groups gnomAD compares: Non-Finnish European, 0.00017%; no homozygotes.

Submissions (2):

CeGaT Center for Human Genetics Tuebingen
Classification: Likely benign. Last evaluated: 2025-03-01. Review status: criteria provided, single submitter. Criteria: CeGaT Center For Human Genetics Tuebingen Variant Classification Criteria Version 2. Collection method: clinical testing. Allele origin: germline. Affected: yes. Observed: 1 variant allele.
Comment: ABCA4: BP4, BP7

Labcorp Genetics (formerly Invitae), Labcorp
Classification: Likely benign. Last evaluated: 2023-04-26. Review status: criteria provided, single submitter. Criteria: Invitae Variant Classification Sherloc (09022015). Collection method: clinical testing. Allele origin: germline.